The following is an entry in ClinVar:

ClinVar aggregate classification (germline): Uncertain significance (1 of 4 stars; one submission).

Conditions:
Primary ciliary dyskinesia. Also called: Ciliary dyskinesia. Identifiers: Orphanet 244, MedGen C0008780, MONDO:0016575, HP:0012265.

gnomAD v4.1: 65 of 1,609,614 alleles (0.004%); highest among the groups gnomAD compares: East Asian, 0.054%; no homozygotes.

Submission:

Labcorp Genetics (formerly Invitae), Labcorp
Classification: Uncertain significance for Primary ciliary dyskinesia. Last evaluated: 2024-05-20. Review status: criteria provided, single submitter. Criteria: Invitae Variant Classification Sherloc (09022015). Collection method: clinical testing. Allele origin: germline.
Comment: This sequence change replaces tyrosine, which is neutral and polar, with cysteine, which is neutral and slightly polar, at codon 1259 of the DNAH8 protein (p.Tyr1259Cys). This variant is present in population databases (rs189744425, gnomAD 0.06%). This variant has not been reported in the literature in individuals affected with DNAH8-related conditions. Advanced modeling of protein sequence and biophysical properties (such as structural, functional, and spatial information, amino acid conservation, physicochemical variation, residue mobility, and thermodynamic stability) performed at Invitae indicates that this missense variant is not expected to disrupt DNAH8 protein function with a negative predictive value of 80%. In summary, the available evidence is currently insufficient to determine the role of this variant in disease. Therefore, it has been classified as a Variant of Uncertain Significance.

NM_001206927.2(DNAH8):c.3776A>G (p.Tyr1259Cys)

Gene: DNAH8 (dynein axonemal heavy chain 8; plus strand). Cytogenetic location: 6p21.2.
Variant type: single nucleotide variant.
Coding change: c.3776A>G on transcript NM_001206927.2 (MANE Select); coding-DNA position 3776, A replaced by G.
Protein change: p.Tyr1259Cys; replaces tyrosine 1259 with cysteine.
Molecular consequence: missense variant.
Genome position (GRCh38, 1-based): chr6:38,823,617, A>G. VCF-style: chr6-38823617-A-G. GRCh37 (hg19) VCF-style: chr6-38791393-A-G.
Other names: c.3125A>G, p.Tyr1042Cys (NM_001371.4); short protein forms Y1259C, Y1042C.
Identifiers: ClinVar variation 3713616 (VCV003713616.1).